The following is an entry in ClinVar:

NM_021939.4(FKBP10):c.337G>A (p.Glu113Lys)

Gene: FKBP10 (FKBP prolyl isomerase 10; plus strand). Cytogenetic location: 17q21.2.
Variant type: single nucleotide variant.
Coding change: c.337G>A on transcript NM_021939.4 (MANE Select); coding-DNA position 337, G replaced by A.
Protein change: p.Glu113Lys; replaces glutamic acid 113 with lysine.
Molecular consequence: missense variant.
Genome position (GRCh38, 1-based): chr17:41,817,149, G>A. VCF-style: chr17-41817149-G-A. GRCh37 (hg19) VCF-style: chr17-39973401-G-A.
Other names: short protein forms E113K.
Identifiers: ClinVar variation 41473 (VCV000041473.12), dbSNP rs397514674, ClinGen allele CA130860.

ClinVar aggregate classification (germline): Pathogenic/Likely pathogenic. Review status: criteria provided, multiple submitters, no conflicts (2 of 4 stars). 7 submissions from 7 submitters: Pathogenic (3); Likely pathogenic (3). 1 of the submissions does not count toward it. Last evaluated 2025-10-05.

Conditions:
FKBP10-related disorders.
Bruck syndrome 1 (BRKS1). Also called: ARTHROGRYPOSIS-LIKE DISORDER. Identifiers: Orphanet 1149, Orphanet 2771, MedGen C1850168, MONDO:0009806, OMIM 259450.
Osteogenesis imperfecta type 11. Also called: OI, TYPE XI; Osteogenesis imperfecta, type XI. Identifiers: Orphanet 666, MedGen C3151218, MONDO:0012592, OMIM 610968.
Osteogenesis imperfecta (OI). Identifiers: Orphanet 666, MedGen C0029434, MeSH D010013, MONDO:0019019.

Allele frequency attached by ClinVar (database versions not stated): gnomAD 0.00001; TOPMed 0.00001.
gnomAD v4.1: 15 of 1,613,956 alleles (0.00093%); highest among the groups gnomAD compares: Admixed American, 0.0017%; no homozygotes.

Submissions (7):

Clinical Biomedical Laboratory, Shriners Hospital For Children - Canada
Classification: Likely pathogenic for Bruck syndrome 1. Last evaluated: 2025-10-05. Review status: criteria provided, single submitter. Criteria: ACMG Guidelines, 2015. Collection method: clinical testing. Allele origin: germline. Affected: yes.
Comment: This variant is predicted to substitute a glutamate residue by a lysine residue in FKBP10. The gene is associated with Bruck syndrome 1, which is in accordance with the clinical manifestations of the proband. In the Genome Aggregation Database (gnomAD v2.1.1) this variant is absent. Computational tools (REVEL: 0.672) suggest that the amino acid change is damaging to protein function. The affected nucleotide is conserved in evolution (PhyloP100 = 9.55, highly conserved). This variant has been reported as a cause of Bruck syndrome 1 in several publications (e.g. PMID 22949511).

Labcorp Genetics (formerly Invitae), Labcorp
Classification: Likely pathogenic. Last evaluated: 2025-02-27. Review status: criteria provided, single submitter. Criteria: Invitae Variant Classification Sherloc (09022015). Collection method: clinical testing. Allele origin: germline.
Comment: This sequence change replaces glutamic acid, which is acidic and polar, with lysine, which is basic and polar, at codon 113 of the FKBP10 protein (p.Glu113Lys). This variant is present in population databases (rs397514674, gnomAD 0.003%). This missense change has been observed in individuals with clinical features of FKBP10-related conditions (PMID: 22949511, 29620724; internal data). ClinVar contains an entry for this variant (Variation ID: 41473). Invitae Evidence Modeling of protein sequence and biophysical properties (such as structural, functional, and spatial information, amino acid conservation, physicochemical variation, residue mobility, and thermodynamic stability) has been performed for this missense variant. However, the output from this modeling did not meet the statistical confidence thresholds required to predict the impact of this variant on FKBP10 protein function. In summary, the currently available evidence indicates that the variant is pathogenic, but additional data are needed to prove that conclusively. Therefore, this variant has been classified as Likely Pathogenic.

Fulgent Genetics
Classification: Pathogenic for Bruck syndrome 1; Osteogenesis imperfecta type 11. Last evaluated: 2024-03-07. Review status: criteria provided, single submitter. Criteria: ACMG Guidelines, 2015. Collection method: clinical testing. Allele origin: germline.

Women's Health and Genetics/Laboratory Corporation of America, LabCorp
Classification: Pathogenic for Osteogenesis imperfecta. Last evaluated: 2024-03-07. Review status: criteria provided, single submitter. Criteria: LabCorp Variant Classification Summary - May 2015. Collection method: clinical testing. Allele origin: germline.
Comment: Variant summary: FKBP10 c.337G>A (p.Glu113Lys) results in a conservative amino acid change located in the FKBP-type peptidyl-prolyl cis-trans isomerase domain (IPR001179) of the encoded protein sequence. Four of five in-silico tools predict a damaging effect of the variant on protein function. The variant allele was found at a frequency of 8e-06 in 250850 control chromosomes (gnomAD). c.337G>A has been reported in the literature in multiple individuals affected with Osteogenesis Imperfecta (examples: Schwarze_2013). These data indicate that the variant is very likely to be associated with disease. At least one publication reports experimental evidence that this variant affects normal protein properties (examples: Schwarze_2013). The following publications have been ascertained in the context of this evaluation (PMID: 29620724, 22949511). ClinVar contains an entry for this variant (Variation ID: 41473). Based on the evidence outlined above, the variant was classified as pathogenic.

Blueprint Genetics
Classification: Pathogenic for FKBP10-related disorders. Last evaluated: 2023-08-21. Review status: criteria provided, single submitter. Criteria: ACMG Guidelines, 2015. Collection method: clinical testing. Allele origin: germline. Affected: yes. Observed: 4 variant alleles.

Laboratorio de Genetica e Diagnostico Molecular, Hospital Israelita Albert Einstein
Classification: Likely pathogenic for Osteogenesis imperfecta type 11. Last evaluated: 2022-09-09. Review status: criteria provided, single submitter. Criteria: ACMG Guidelines, 2015. Collection method: clinical testing. Allele origin: germline. Affected: yes. Observed: 1 variant allele.
Comment: ACMG classification criteria: PS4 moderated, PM2 moderated, PM3 moderated

OMIM
Classification: Pathogenic for BRUCK SYNDROME 1. Last evaluated: 2013-01-01. Review status: no assertion criteria provided. Collection method: literature only. Allele origin: germline. Not counted in ClinVar's aggregate classification.

Literature cited by the submitters: PubMed 22949511 (cited by 4 submitters); PubMed 29620724 (cited by Labcorp Genetics (formerly Invitae), Labcorp and Women's Health and Genetics/Laboratory Corporation of America, LabCorp); PubMed 9129737 (cited by OMIM).